The following is an entry in ClinVar:

NM_001384732.1(CPLANE1):c.9700A>T (p.Met3234Leu)

Gene: CPLANE1 (ciliogenesis and planar polarity effector complex subunit 1; minus strand). Cytogenetic location: 5p13.2.
Variant type: single nucleotide variant.
Coding change: c.9700A>T on transcript NM_001384732.1 (MANE Select); coding-DNA position 9700, A replaced by T.
Protein change: p.Met3234Leu; replaces methionine 3234 with leucine.
Molecular consequence: missense variant.
Genome position (GRCh38, 1-based): chr5:37,107,658, T>A on the plus strand (A>T on the coding strand, the complement: CPLANE1 is on the minus strand). VCF-style: chr5-37107658-T-A. GRCh37 (hg19) VCF-style: chr5-37107760-T-A.
Other names: c.9538A>T, p.Met3180Leu (NM_023073.4); short protein forms M3180L, M3234L.
Identifiers: ClinVar variation 950480 (VCV000950480.8), dbSNP rs770395082, ClinGen allele CA3237396.
Genomic context (GRCh38, chr5:37,107,658, plus strand): 5'-GGTCTTACAGGTCCAGGGCCCAGTGGACAGACAGGCCCTGGTCCTCCACGCTGGCCACCA[T>A]GTCTTCGATGGCATTCCAGTCCAGCTTGCTGAGGATGCTGCCAGTGCTCTCAGACACGCT-3'
Protein context (NP_001371661.1, residues 3224-3244): SKLDWNAIED[Met3234Leu]VASVEDQGLS

ClinVar aggregate classification (germline): Uncertain significance. Review status: criteria provided, multiple submitters, no conflicts (2 of 4 stars). 4 submissions from 4 submitters: Uncertain significance (4). Last evaluated 2024-08-02.

Conditions:
Joubert syndrome 17 (JBTS17). Identifiers: Orphanet 475, MedGen C3553264, MONDO:0013824, OMIM 614615.
Orofaciodigital syndrome type 6 (OFD6). Also called: Oral-facial-digital syndrome type 6; Central polydactyly cleft lip/palate or lingual lump and psychomotor retardation; Y-shaped central metacarpal and cerebellar defect; Joubert syndrome with orofacialdigital anomalies; OROFACIODIGITAL SYNDROME VI; OFDS VI. Identifiers: Orphanet 2754, MedGen C2745997, MONDO:0010176, OMIM 277170.
Inborn genetic diseases. Identifiers: MedGen C0950123, MeSH D030342.

Allele frequency attached by ClinVar (database versions not stated): gnomAD exomes 0.00003 and 0.00009; ExAC 0.00008; TOPMed 0.00011.
gnomAD v4.1: 60 of 1,611,334 alleles (0.0037%); highest among the groups gnomAD compares: Admixed American, 0.038%; no homozygotes.

Submissions (4):

Ambry Genetics
Classification: Uncertain significance for Inborn genetic diseases. Last evaluated: 2024-08-02. Review status: criteria provided, single submitter. Criteria: Ambry Variant Classification Scheme 2023. Collection method: clinical testing. Allele origin: germline.

Labcorp Genetics (formerly Invitae), Labcorp
Classification: Uncertain significance. Last evaluated: 2022-07-29. Review status: criteria provided, single submitter. Criteria: Invitae Variant Classification Sherloc (09022015). Collection method: clinical testing. Allele origin: germline.
Comment: This sequence change replaces methionine, which is neutral and non-polar, with leucine, which is neutral and non-polar, at codon 3180 of the CPLANE1 protein (p.Met3180Leu). This variant is present in population databases (rs770395082, gnomAD 0.04%). This variant has not been reported in the literature in individuals affected with CPLANE1-related conditions. ClinVar contains an entry for this variant (Variation ID: 950480). Advanced modeling of protein sequence and biophysical properties (such as structural, functional, and spatial information, amino acid conservation, physicochemical variation, residue mobility, and thermodynamic stability) performed at Invitae indicates that this missense variant is not expected to disrupt CPLANE1 protein function. In summary, the available evidence is currently insufficient to determine the role of this variant in disease. Therefore, it has been classified as a Variant of Uncertain Significance.

Blueprint Genetics
Classification: Uncertain significance. Last evaluated: 2022-07-19. Review status: criteria provided, single submitter. Criteria: ACMG Guidelines, 2015. Collection method: clinical testing. Allele origin: germline.

Fulgent Genetics
Classification: Uncertain significance for Orofaciodigital syndrome type 6; Joubert syndrome 17. Last evaluated: 2022-02-19. Review status: criteria provided, single submitter. Criteria: ACMG Guidelines, 2015. Collection method: clinical testing. Allele origin: unknown.